The following is an entry in ClinVar:

NM_201596.3(CACNB2):c.1838A>C (p.Asp613Ala)

Gene: CACNB2 (calcium voltage-gated channel auxiliary subunit beta 2; plus strand). Cytogenetic location: 10p12.31.
Variant type: single nucleotide variant.
Coding change: c.1838A>C on transcript NM_201596.3 (MANE Select); coding-DNA position 1838, A replaced by C.
Protein change: p.Asp613Ala; replaces aspartic acid 613 with alanine.
Molecular consequence: missense variant.
Genome position (GRCh38, 1-based): chr10:18,539,579, A>C. VCF-style: chr10-18539579-A-C. GRCh37 (hg19) VCF-style: chr10-18828508-A-C.
Other names: c.1673A>C, p.Asp558Ala (NM_000724.4); c.1640A>C, p.Asp547Ala (NM_001167945.2); c.1559A>C, p.Asp520Ala (NM_001330060.2); c.1580A>C, p.Asp527Ala (NM_001410882.1); c.1694A>C, p.Asp565Ala (NM_201570.3); c.1754A>C, p.Asp585Ala (NM_201571.4); c.1682A>C, p.Asp561Ala (NM_201572.4); c.1676A>C, p.Asp559Ala (NM_201590.3); and 2 more; short protein forms D559A, D561A, D575A, D613A, D547A, D589A, D520A, D558A.
Identifiers: ClinVar variation 2562826 (VCV002562826.5), dbSNP rs769914961, ClinGen allele CA5430182.

ClinVar aggregate classification (germline): Uncertain significance. Review status: criteria provided, multiple submitters, no conflicts (2 of 4 stars). 2 submissions from 2 submitters: Uncertain significance (2). Last evaluated 2024-12-17.

Conditions:
Cardiovascular phenotype. Identifiers: MedGen CN230736.
Brugada syndrome 4 (BRGDA4). Identifiers: Orphanet 130, MedGen C2678477, MONDO:0012743, OMIM 611876.

Allele frequency attached by ClinVar (database versions not stated): TOPMed below 0.00001; ExAC 0.00001.
gnomAD v4.1: 7 of 1,613,858 alleles (0.00043%); highest among the groups gnomAD compares: South Asian, 0.0077%; no homozygotes.

Submissions (2):

Ambry Genetics
Classification: Uncertain significance for Cardiovascular phenotype. Last evaluated: 2024-12-17. Review status: criteria provided, single submitter. Criteria: Ambry Variant Classification Scheme 2023. Collection method: clinical testing. Allele origin: germline.
Comment: The p.D559A variant (also known as c.1676A>C), located in coding exon 13 of the CACNB2 gene, results from an A to C substitution at nucleotide position 1676. The aspartic acid at codon 559 is replaced by alanine, an amino acid with dissimilar properties. This amino acid position is conserved. In addition, the in silico prediction for this alteration is inconclusive. Since supporting evidence is limited at this time, the clinical significance of this alteration remains unclear.

Labcorp Genetics (formerly Invitae), Labcorp
Classification: Uncertain significance for Brugada syndrome 4. Last evaluated: 2024-05-15. Review status: criteria provided, single submitter. Criteria: Invitae Variant Classification Sherloc (09022015). Collection method: clinical testing. Allele origin: germline.
Comment: This sequence change replaces aspartic acid, which is acidic and polar, with alanine, which is neutral and non-polar, at codon 559 of the CACNB2 protein (p.Asp559Ala). This variant is present in population databases (rs769914961, gnomAD 0.006%). This variant has not been reported in the literature in individuals affected with CACNB2-related conditions. ClinVar contains an entry for this variant (Variation ID: 2562826). An algorithm developed to predict the effect of missense changes on protein structure and function (PolyPhen-2) suggests that this variant is likely to be disruptive. In summary, the available evidence is currently insufficient to determine the role of this variant in disease. Therefore, it has been classified as a Variant of Uncertain Significance.